The following is an entry in ClinVar:

ClinVar aggregate classification (germline): Uncertain significance (1 of 4 stars; one submission).

Conditions:
Tuberous sclerosis 2 (TSC2). Identifiers: Orphanet 805, MedGen C1860707, MONDO:0013199, OMIM 613254.

Submission:

Labcorp Genetics (formerly Invitae), Labcorp
Classification: Uncertain significance for Tuberous sclerosis 2. Last evaluated: 2023-09-01. Review status: criteria provided, single submitter. Criteria: Invitae Variant Classification Sherloc (09022015). Collection method: clinical testing. Allele origin: germline.
Comment: This sequence change replaces valine, which is neutral and non-polar, with aspartic acid, which is acidic and polar, at codon 142 of the TSC2 protein (p.Val142Asp). This variant is not present in population databases (gnomAD no frequency). This variant has not been reported in the literature in individuals affected with TSC2-related conditions. Advanced modeling of protein sequence and biophysical properties (such as structural, functional, and spatial information, amino acid conservation, physicochemical variation, residue mobility, and thermodynamic stability) performed at Invitae indicates that this missense variant is not expected to disrupt TSC2 protein function. In summary, the available evidence is currently insufficient to determine the role of this variant in disease. Therefore, it has been classified as a Variant of Uncertain Significance.

NM_000548.5(TSC2):c.425T>A (p.Val142Asp)

Gene: TSC2 (TSC complex subunit 2; plus strand). Cytogenetic location: 16p13.3.
Variant type: single nucleotide variant.
Coding change: c.425T>A on transcript NM_000548.5 (MANE Select); coding-DNA position 425, T replaced by A.
Protein change: p.Val142Asp; replaces valine 142 with aspartic acid.
Molecular consequence: missense variant. On other transcripts: 5 prime UTR variant (14), non-coding transcript variant (5), intron variant (6).
Genome position (GRCh38, 1-based): chr16:2,054,384, T>A. VCF-style: chr16-2054384-T-A. GRCh37 (hg19) VCF-style: chr16-2104385-T-A.
Other names: c.-21T>A (NM_001406681.1); c.-392T>A (NM_001406683.1, NM_001406687.1, NM_001406680.1); c.-1007T>A (NM_001406689.1, NM_001406690.1, NM_001406691.1 and 2 more transcripts); c.-1223T>A (NM_001406693.1); c.-888T>A (NM_001406694.1, NM_001406695.1); c.-995T>A (NM_001406696.1); c.-1183T>A (NM_001406698.1); c.425T>A, p.Val142Asp (NM_021055.3, NM_001077183.3, NM_001114382.3 and 8 more transcripts); and 6 more; short protein forms V123D, V172D, V105D, V142D, V153D, V93D.
Identifiers: ClinVar variation 2757249 (VCV002757249.3), dbSNP rs2151043024, ClinGen allele CA394307263.